The following is an entry in ClinVar:

NM_018124.4(RFWD3):c.183C>T (p.Ile61=)

Gene: RFWD3 (ring finger and WD repeat domain 3; minus strand). Cytogenetic location: 16q23.1.
Variant type: single nucleotide variant.
Coding change: c.183C>T on transcript NM_018124.4 (MANE Select); coding-DNA position 183, C replaced by T.
Protein change: p.Ile61=; no amino-acid change (isoleucine 61 retained).
Molecular consequence: synonymous variant. On other transcripts: 5 prime UTR variant (4), intron variant (1).
Genome position (GRCh38, 1-based): chr16:74,661,267, G>A on the plus strand (C>T on the coding strand, the complement: RFWD3 is on the minus strand). VCF-style: chr16-74661267-G-A. GRCh37 (hg19) VCF-style: chr16-74695165-G-A.
Other names: c.183C>T, p.Ile61= (NM_001370534.1, NM_001370535.1, NM_001370536.1); c.-826C>T (NM_001370537.1); c.-449C>T (NM_001370539.1, NM_001370541.1); c.-703C>T (NM_001370542.1); c.-581C>T (NM_001370543.1); c.-317+3357C>T (NM_001370540.1).
Identifiers: ClinVar variation 2646860 (VCV002646860.24), dbSNP rs765959834, ClinGen allele CA496690304.
Genomic context (GRCh38, chr16:74,661,267, plus strand): 5'-TGTCAGGTCAACAGACAGTTGCGGAGCAGGCTGGAGCAGGGGTGGTGTCGCTTGGCTGCT[G>A]ATCACCTCAGCAGGAGCTGGCTGGAGGATGGATGGTACCCCCTGGCTGCTGACCACATCA-3'
Protein context (NP_060594.3, residues 51-71): SILQPAPAEV[Ile61=]SSQATPPLLQ

ClinVar aggregate classification (germline): Likely benign (1 of 4 stars; one submission).

gnomAD v4.1: 5 of 1,614,150 alleles (0.00031%); highest among the groups gnomAD compares: Non-Finnish European, 0.00042%; no homozygotes.

Submission:

CeGaT Center for Human Genetics Tuebingen
Classification: Likely benign. Last evaluated: 2022-05-01. Review status: criteria provided, single submitter. Criteria: CeGaT Center For Human Genetics Tuebingen Variant Classification Criteria Version 2. Collection method: clinical testing. Allele origin: germline. Affected: yes. Observed: 1 variant allele.
Comment: RFWD3: PM2:Supporting, BP4, BP7